The following is an entry in ClinVar:

ClinVar aggregate classification (germline): Uncertain significance (1 of 4 stars; one submission).

Conditions:
Inborn genetic diseases. Identifiers: MedGen C0950123, MeSH D030342.

Submission:

Ambry Genetics
Classification: Uncertain significance for Inborn genetic diseases. Last evaluated: 2025-08-01. Review status: criteria provided, single submitter. Criteria: Ambry Variant Classification Scheme 2023. Collection method: clinical testing. Allele origin: germline.
Comment: The p.L381P variant (also known as c.1142T>C), located in coding exon 10 of the CEP57 gene, results from a T to C substitution at nucleotide position 1142. The leucine at codon 381 is replaced by proline, an amino acid with similar properties. This amino acid position is conserved. In addition, this alteration is predicted to be deleterious by in silico analysis. Based on the available evidence, the clinical significance of this variant remains unclear.

NM_014679.5(CEP57):c.1142T>C (p.Leu381Pro)

Gene: CEP57 (centrosomal protein 57; plus strand). Cytogenetic location: 11q21.
Variant type: single nucleotide variant.
Coding change: c.1142T>C on transcript NM_014679.5 (MANE Select); coding-DNA position 1142, T replaced by C.
Protein change: p.Leu381Pro; replaces leucine 381 with proline.
Molecular consequence: missense variant.
Genome position (GRCh38, 1-based): chr11:95,829,201, T>C. VCF-style: chr11-95829201-T-C. GRCh37 (hg19) VCF-style: chr11-95562365-T-C.
Other names: c.1115T>C, p.Leu372Pro (NM_001243776.2); c.1064T>C, p.Leu355Pro (NM_001243777.2); c.1061T>C, p.Leu354Pro (NM_001363604.2, NM_001440869.1, NM_001440870.1); c.1034T>C, p.Leu345Pro (NM_001440871.1); c.1025T>C, p.Leu342Pro (NM_001440872.1); c.962T>C, p.Leu321Pro (NM_001440873.1); c.956T>C, p.Leu319Pro (NM_001440874.1); c.953T>C, p.Leu318Pro (NM_001440875.1); and 6 more; short protein forms L280P, L319P, L354P, L294P, L321P, L342P, L355P, L372P.
Identifiers: ClinVar variation 4226367 (VCV004226367.1).